The following is an entry in ClinVar:

NM_016247.4(IMPG2):c.1298C>A (p.Pro433Gln)

Gene: IMPG2 (interphotoreceptor matrix proteoglycan 2; minus strand). Cytogenetic location: 3q12.3.
Variant type: single nucleotide variant.
Coding change: c.1298C>A on transcript NM_016247.4 (MANE Select); coding-DNA position 1298, C replaced by A.
Protein change: p.Pro433Gln; replaces proline 433 with glutamine.
Molecular consequence: missense variant.
Genome position (GRCh38, 1-based): chr3:101,246,047, G>T on the plus strand (C>A on the coding strand, the complement: IMPG2 is on the minus strand). VCF-style: chr3-101246047-G-T. GRCh37 (hg19) VCF-style: chr3-100964891-G-T.
Other names: short protein forms P433Q.
Identifiers: ClinVar variation 1397938 (VCV001397938.8), dbSNP rs1243396074, ClinGen allele CA353862900.

ClinVar aggregate classification (germline): Uncertain significance (1 of 4 stars; one submission).

Submission:

Labcorp Genetics (formerly Invitae), Labcorp
Classification: Uncertain significance. Last evaluated: 2020-12-17. Review status: criteria provided, single submitter. Criteria: Invitae Variant Classification Sherloc (09022015). Collection method: clinical testing. Allele origin: germline.
Comment: In summary, the available evidence is currently insufficient to determine the role of this variant in disease. Therefore, it has been classified as a Variant of Uncertain Significance. Algorithms developed to predict the effect of missense changes on protein structure and function (SIFT, PolyPhen-2, Align-GVGD) all suggest that this variant is likely to be tolerated, but these predictions have not been confirmed by published functional studies and their clinical significance is uncertain. This variant has not been reported in the literature in individuals with IMPG2-related conditions. This variant is not present in population databases (ExAC no frequency). This sequence change replaces proline with glutamine at codon 433 of the IMPG2 protein (p.Pro433Gln). The proline residue is weakly conserved and there is a moderate physicochemical difference between proline and glutamine.